The following is an entry in ClinVar:

NM_173495.3(PTCHD1):c.881G>A (p.Arg294His)

Gene: PTCHD1 (patched domain containing 1; plus strand). Cytogenetic location: Xp22.11.
Variant type: single nucleotide variant.
Coding change: c.881G>A on transcript NM_173495.3 (MANE Select); coding-DNA position 881, G replaced by A.
Protein change: p.Arg294His; replaces arginine 294 with histidine.
Molecular consequence: missense variant.
Genome position (GRCh38, 1-based): chrX:23,380,120, G>A. VCF-style: chrX-23380120-G-A. GRCh37 (hg19) VCF-style: chrX-23398237-G-A.
Other names: short protein forms R294H.
Identifiers: ClinVar variation 440215 (VCV000440215.10), dbSNP rs1438077547, ClinGen allele CA412580707.

ClinVar aggregate classification (germline): Uncertain significance. Review status: criteria provided, multiple submitters, no conflicts (2 of 4 stars). 2 submissions from 2 submitters: Uncertain significance (2). Last evaluated 2025-11-19.

Allele frequency attached by ClinVar (database versions not stated): gnomAD exomes 0.00003 and 0.00001; gnomAD 0.00006; TOPMed 0.00009.
gnomAD v4.1: 17 of 1,209,914 alleles (0.0014%); highest among the groups gnomAD compares: Admixed American, 0.011%; no homozygotes.

Submissions (2):

Dasa
Classification: Uncertain significance. Last evaluated: 2025-11-19. Review status: criteria provided, single submitter. Criteria: DASA Assertion Criteria. Collection method: clinical testing. Allele origin: germline.
Comment: NM_173495.3(PTCHD1):c.881G>A (p.Arg294His) is a missense variant that results in the substitution of arginine with histidine. This variant is rare in population databases. Computational prediction algorithms are consistent with a deleterious effect. The currently available literature and clinical evidence are not sufficient to establish a definitive association between this variant and the reported condition. Therefore, this variant is classified as a variant of uncertain significance.

ARUP Laboratories, Molecular Genetics and Genomics, ARUP Laboratories
Classification: Uncertain significance. Last evaluated: 2017-05-05. Review status: criteria provided, single submitter. Criteria: ARUP Molecular Germline Variant Investigation Process. Collection method: clinical testing. Allele origin: germline.
Comment: The p.Arg294His variant has not been reported in the medical literature, gene specific variation databases, nor has it been previously identified by our laboratory. This variant is listed in the Genome Aggregation Database Browser with an overall population frequency of 0.003 percent (identified on 5 out of 178,394 chromosomes including 2 hemizygotes). The arginine at position 294 is highly conserved, up to C. elegans (considering 11 species) (Alamut v2.8.1) and computational analyses of the effects of the p.Arg294His variant on protein structure and function provide conflicting results (SIFT: tolerated, MutationTaster: disease causing, PolyPhen-2: benign). Altogether, there is not enough evidence to classify the p.Arg294His variant with certainty.